The following is an entry in ClinVar:

ClinVar aggregate classification (germline): Uncertain significance (1 of 4 stars; one submission).

Conditions:
Oculofaciocardiodental syndrome (MCOPS2). Identifiers: Orphanet 2712, MedGen C1846265, MONDO:0010261, OMIM 300166.

gnomAD v4.1: 1 of 1,211,748 alleles (0.000083%); highest among the groups gnomAD compares: Non-Finnish European, 0.00011%; no homozygotes.

Submission:

Labcorp Genetics (formerly Invitae), Labcorp
Classification: Uncertain significance for Oculofaciocardiodental syndrome. Last evaluated: 2020-10-25. Review status: criteria provided, single submitter. Criteria: Invitae Variant Classification Sherloc (09022015). Collection method: clinical testing. Allele origin: germline.
Comment: In summary, the available evidence is currently insufficient to determine the role of this variant in disease. Therefore, it has been classified as a Variant of Uncertain Significance. Algorithms developed to predict the effect of missense changes on protein structure and function (SIFT, PolyPhen-2, Align-GVGD) all suggest that this variant is likely to be tolerated, but these predictions have not been confirmed by published functional studies and their clinical significance is uncertain. This variant has not been reported in the literature in individuals with BCOR-related conditions. This variant is not present in population databases (ExAC no frequency). This sequence change replaces glycine with aspartic acid at codon 254 of the BCOR protein (p.Gly254Asp). The glycine residue is weakly conserved and there is a moderate physicochemical difference between glycine and aspartic acid.

NM_001123385.2(BCOR):c.761G>A (p.Gly254Asp)

Genes: BCOR (BCL6 corepressor; minus strand), LOC126863239 (MED14-independent group 3 enhancer GRCh37_chrX:39932994-39934193; plus strand). Cytogenetic location: Xp11.4.
Variant type: single nucleotide variant.
Coding change: c.761G>A on transcript NM_001123385.2 (MANE Select); coding-DNA position 761, G replaced by A.
Protein change: p.Gly254Asp; replaces glycine 254 with aspartic acid.
Molecular consequence: missense variant.
Genome position (GRCh38, 1-based): chrX:40,074,585, C>T on the plus strand (G>A on the coding strand, the complement: BCOR is on the minus strand). VCF-style: chrX-40074585-C-T. GRCh37 (hg19) VCF-style: chrX-39933838-C-T.
Other names: c.761G>A, p.Gly254Asp (NM_017745.6, NM_001123383.2, NM_001123384.2); short protein forms G254D.
Identifiers: ClinVar variation 1372897 (VCV001372897.8), dbSNP rs2147263152, ClinGen allele CA412748034.